The following is an entry in ClinVar:

NM_006415.4(SPTLC1):c.262C>T (p.Pro88Ser)

Gene: SPTLC1 (serine palmitoyltransferase long chain base subunit 1; minus strand). Cytogenetic location: 9q22.31.
Variant type: single nucleotide variant.
Coding change: c.262C>T on transcript NM_006415.4 (MANE Select); coding-DNA position 262, C replaced by T.
Protein change: p.Pro88Ser; replaces proline 88 with serine.
Molecular consequence: missense variant. On other transcripts: 5 prime UTR variant (2).
Genome position (GRCh38, 1-based): chr9:92,080,962, G>A on the plus strand (C>T on the coding strand, the complement: SPTLC1 is on the minus strand). VCF-style: chr9-92080962-G-A. GRCh37 (hg19) VCF-style: chr9-94843244-G-A.
Other names: c.262C>T, p.Pro88Ser (NM_001281303.2, NM_178324.3); c.-238C>T (NM_001368272.1); c.-204C>T (NM_001368273.1); short protein forms P88S.
Identifiers: ClinVar variation 4708517 (VCV004708517.1).

ClinVar aggregate classification (germline): Uncertain significance (1 of 4 stars; one submission).

Conditions:
Hereditary sensory and autonomic neuropathy type 1 (HSAN1). Also called: HSAN 1; HSN Type I; Hereditary Sensory Neuropathy Type I. Identifiers: Orphanet 36386, MedGen C0020071, MONDO:0018213.

Submission:

Labcorp Genetics (formerly Invitae), Labcorp
Classification: Uncertain significance for Hereditary sensory and autonomic neuropathy type 1. Last evaluated: 2026-01-04. Review status: criteria provided, single submitter. Criteria: Invitae Variant Classification Sherloc (09022015). Collection method: clinical testing. Allele origin: germline.
Comment: This sequence change replaces proline, which is neutral and non-polar, with serine, which is neutral and polar, at codon 88 of the SPTLC1 protein (p.Pro88Ser). This variant is present in population databases (rs761532187, gnomAD 0.009%). This variant has not been reported in the literature in individuals affected with SPTLC1-related conditions. An algorithm developed to predict the effect of missense changes on protein structure and function (PolyPhen-2) suggests that this variant is likely to be tolerated. In summary, the available evidence is currently insufficient to determine the role of this variant in disease. Therefore, it has been classified as a Variant of Uncertain Significance.